The following is an entry in ClinVar:

ClinVar aggregate classification (germline): Likely pathogenic (1 of 4 stars; one submission).

Conditions:
Familial cancer of breast. Also called: Hereditary breast cancer; BREAST CANCER, FAMILIAL; hereditary breast carcinoma. Identifiers: Orphanet 227535, MedGen C0346153, MONDO:0016419, OMIM 114480. Disease mechanism: loss of function.

Submission:

Myriad Genetics, Inc.
Classification: Likely pathogenic for Familial cancer of breast. Last evaluated: 2023-06-28. Review status: criteria provided, single submitter. Criteria: Myriad Autosomal Dominant, Autosomal Recessive and X-Linked Classification Criteria (2023). Collection method: clinical testing. Allele origin: unknown.
Comment: This variant is considered likely pathogenic. This variant occurs within a consensus splice junction and is predicted to result in abnormal mRNA splicing of either an out-of-frame exon or an in-frame exon necessary for protein stability and/or normal function.

NM_007194.4(CHEK2):c.1375+2_1375+15del

Gene: CHEK2 (checkpoint kinase 2; minus strand). Cytogenetic location: 22q12.1.
Variant type: Deletion.
Coding change: c.1375+2_1375+15del on transcript NM_007194.4 (MANE Select); the canonical splice donor site of the intron after coding-DNA position 1375 through 15 bases into the intron after coding-DNA position 1375, 14 bases deleted (TATGAATATGAAAG).
Molecular consequence: splice donor variant.
Genome position (GRCh38, 1-based): chr22:28,695,112-28,695,125, CTTTCATATTCATA deleted on the plus strand (TATGAATATGAAAG on the coding strand, the reverse complement: CHEK2 is on the minus strand); deleting any 14 consecutive bases within chr22:28,695,112-28,695,126 gives the same sequence; the c. name uses the placement nearest the transcript's 3' end. VCF-style (leftmost placement, unchanged base first): chr22-28695111-CCTTTCATATTCATA-C. GRCh37 (hg19) VCF-style: chr22-29091099-CCTTTCATATTCATA-C.
Other names: c.712+2_712+15del (NM_001437942.1, NM_001257387.3); c.1174+2_1174+15del (NM_001349956.3); c.1288+2_1288+15del (NM_145862.3); c.1381+2_1381+15del (NM_001438295.1); c.1468+2_1468+15del (NM_001438293.1); c.1417+2_1417+15del (NM_001438294.1); c.1504+2_1504+15del (NM_001005735.3).
Identifiers: ClinVar variation 2583574 (VCV002583574.2), dbSNP rs2517794440, ClinGen allele CA2582342752.